The following is an entry in ClinVar:

NM_018124.4(RFWD3):c.973C>T (p.Arg325Ter)

Gene: RFWD3 (ring finger and WD repeat domain 3; minus strand). Cytogenetic location: 16q23.1.
Variant type: single nucleotide variant.
Coding change: c.973C>T on transcript NM_018124.4 (MANE Select); coding-DNA position 973, C replaced by T.
Protein change: p.Arg325Ter; replaces arginine 325 with a stop codon.
Molecular consequence: nonsense.
Genome position (GRCh38, 1-based): chr16:74,644,555, G>A on the plus strand (C>T on the coding strand, the complement: RFWD3 is on the minus strand). VCF-style: chr16-74644555-G-A. GRCh37 (hg19) VCF-style: chr16-74678453-G-A.
Other names: c.973C>T, p.Arg325Ter (NM_001370535.1, NM_001370536.1, NM_001370534.1); c.139C>T, p.Arg47Ter (NM_001370537.1, NM_001370539.1, NM_001370540.1 and 3 more transcripts); short protein forms R47*, R325*.
Identifiers: ClinVar variation 2782813 (VCV002782813.3), dbSNP rs1342623731, ClinGen allele CA396762751.
Genomic context (GRCh38, chr16:74,644,555, plus strand): 5'-TCTGCCTGACTTAACATGTTAATGTGTCCTTACCTATGGTCCTTACCTGGGGACATTTTC[G>A]TACTTGTCCTTTAAGCCACGTGGAAATGCACCTATACCCAAAGAGATGCCCACAGCGTAA-3'

ClinVar aggregate classification (germline): Uncertain significance (1 of 4 stars; one submission).

Allele frequency attached by ClinVar (database versions not stated): TOPMed 0.00001; gnomAD 0.00001.
gnomAD v4.1: 8 of 1,613,932 alleles (0.0005%); highest among the groups gnomAD compares: Admixed American, 0.0017%; no homozygotes.

Submission:

Labcorp Genetics (formerly Invitae), Labcorp
Classification: Uncertain significance. Last evaluated: 2025-12-20. Review status: criteria provided, single submitter. Criteria: Invitae Variant Classification Sherloc (09022015). Collection method: clinical testing. Allele origin: germline.
Comment: This sequence change creates a premature translational stop signal (p.Arg325*) in the RFWD3 gene. It is expected to result in an absent or disrupted protein product. However, the current clinical and genetic evidence is not sufficient to establish whether loss-of-function variants in RFWD3 cause disease. This variant is present in population databases (no rsID available, gnomAD 0.004%). This variant has not been reported in the literature in individuals affected with RFWD3-related conditions. ClinVar contains an entry for this variant (Variation ID: 2782813). In summary, the available evidence is currently insufficient to determine the role of this variant in disease. Therefore, it has been classified as a Variant of Uncertain Significance.